The following is an entry in ClinVar:

ClinVar aggregate classification (germline): Uncertain significance (1 of 4 stars; one submission).

Conditions:
Severe combined immunodeficiency due to DNA-PKcs deficiency. Also called: Immunodeficiency 26 with or without neurologic abnormalities; IMMUNODEFICIENCY 26 WITH NEUROLOGIC ABNORMALITIES. Identifiers: Orphanet 317425, MedGen C4014833, MONDO:0014423, OMIM 615966.

Allele frequency attached by ClinVar (database versions not stated): ExAC below 0.00001; TOPMed 0.00001; gnomAD 0.00003; ESP Exome Variant Server 0.00008.
gnomAD v4.1: 25 of 1,593,626 alleles (0.0016%); highest among the groups gnomAD compares: African/African-American, 0.0054%; no homozygotes.

Submission:

Labcorp Genetics (formerly Invitae), Labcorp
Classification: Uncertain significance for Severe combined immunodeficiency due to DNA-PKcs deficiency. Last evaluated: 2023-10-03. Review status: criteria provided, single submitter. Criteria: Invitae Variant Classification Sherloc (09022015). Collection method: clinical testing. Allele origin: germline.
Comment: This sequence change replaces alanine, which is neutral and non-polar, with valine, which is neutral and non-polar, at codon 1441 of the PRKDC protein (p.Ala1441Val). The frequency data for this variant in the population databases is considered unreliable, as metrics indicate poor data quality at this position in the gnomAD database. This variant has not been reported in the literature in individuals affected with PRKDC-related conditions. ClinVar contains an entry for this variant (Variation ID: 842748). Advanced modeling of protein sequence and biophysical properties (such as structural, functional, and spatial information, amino acid conservation, physicochemical variation, residue mobility, and thermodynamic stability) performed at Invitae indicates that this missense variant is not expected to disrupt PRKDC protein function. In summary, the available evidence is currently insufficient to determine the role of this variant in disease. Therefore, it has been classified as a Variant of Uncertain Significance.

NM_006904.7(PRKDC):c.4322C>T (p.Ala1441Val)

Gene: PRKDC (protein kinase, DNA-activated, catalytic subunit; minus strand). Cytogenetic location: 8q11.21.
Variant type: single nucleotide variant.
Coding change: c.4322C>T on transcript NM_006904.7 (MANE Select); coding-DNA position 4322, C replaced by T.
Protein change: p.Ala1441Val; replaces alanine 1441 with valine.
Molecular consequence: missense variant.
Genome position (GRCh38, 1-based): chr8:47,888,609, G>A on the plus strand (C>T on the coding strand, the complement: PRKDC is on the minus strand). VCF-style: chr8-47888609-G-A. GRCh37 (hg19) VCF-style: chr8-48801170-G-A.
Other names: c.4322C>T, p.Ala1441Val (NM_001081640.2); short protein forms A1441V.
Identifiers: ClinVar variation 842748 (VCV000842748.9), dbSNP rs371177523, ClinGen allele CA4740931.